The following is an entry in ClinVar:

NM_000548.5(TSC2):c.4116G>C (p.Val1372=)

Gene: TSC2 (TSC complex subunit 2; plus strand). Cytogenetic location: 16p13.3.
Variant type: single nucleotide variant.
Coding change: c.4116G>C on transcript NM_000548.5 (MANE Select); coding-DNA position 4116, G replaced by C.
Protein change: p.Val1372=; no amino-acid change (valine 1372 retained).
Molecular consequence: synonymous variant. On other transcripts: non-coding transcript variant (5).
Genome position (GRCh38, 1-based): chr16:2,084,338, G>C. VCF-style: chr16-2084338-G-C. GRCh37 (hg19) VCF-style: chr16-2134339-G-C.
Other names: c.2574G>C, p.Val858= (NM_001406692.1, NM_001406693.1, NM_001406694.1); c.2571G>C, p.Val857= (NM_001406695.1, NM_001406696.1, NM_001406697.1); c.2313G>C, p.Val771= (NM_001406698.1); c.3987G>C, p.Val1329= (NM_021055.3, NM_001370405.1); c.3915G>C, p.Val1305= (NM_001077183.3); c.4047G>C, p.Val1349= (NM_001114382.3); c.3807G>C, p.Val1269= (NM_001318827.2); c.3771G>C, p.Val1257= (NM_001318829.2); and 26 more.
Identifiers: ClinVar variation 4071165 (VCV004071165.1).

ClinVar aggregate classification (germline): Benign (1 of 4 stars; one submission).

Conditions:
Tuberous sclerosis 2 (TSC2). Identifiers: Orphanet 805, MedGen C1860707, MONDO:0013199, OMIM 613254.

Submission:

Myriad Genetics, Inc.
Classification: Benign for Tuberous sclerosis 2. Last evaluated: 2025-06-02. Review status: criteria provided, single submitter. Criteria: Myriad Autosomal Dominant, Autosomal Recessive and X-Linked Classification Criteria (2023). Collection method: clinical testing. Allele origin: unknown.
Comment: This variant is considered benign. This variant is a silent/synonymous amino acid change and it is not expected to impact splicing.